The following is an entry in ClinVar:

ClinVar aggregate classification (germline): Uncertain significance. Review status: criteria provided, multiple submitters, no conflicts (2 of 4 stars). 3 submissions from 3 submitters: Uncertain significance (3). Last evaluated 2025-06-02.

Conditions:
Hypotonia, infantile, with psychomotor retardation and characteristic facies 2 (IHPRF2). Also called: UNC80 Deficiency. Identifiers: Orphanet 371364, Orphanet 700333, MedGen C4225203, MONDO:0014777, OMIM 616801.

Submissions (3):

GeneDx
Classification: Uncertain significance. Last evaluated: 2025-06-02. Review status: criteria provided, single submitter. Criteria: GeneDx Variant Classification Process June 2021. Collection method: clinical testing. Allele origin: germline. Affected: yes.
Comment: In-frame deletion of 1 amino acid and insertion of 2 incorrect amino acids in a non-repeat region; Has not been previously published as pathogenic or benign to our knowledge

Fulgent Genetics
Classification: Uncertain significance for Hypotonia, infantile, with psychomotor retardation and characteristic facies 2. Last evaluated: 2021-12-30. Review status: criteria provided, single submitter. Criteria: ACMG Guidelines, 2015. Collection method: clinical testing. Allele origin: unknown.

Labcorp Genetics (formerly Invitae), Labcorp
Classification: Uncertain significance. Last evaluated: 2021-10-21. Review status: criteria provided, single submitter. Criteria: Invitae Variant Classification Sherloc (09022015). Collection method: clinical testing. Allele origin: germline.
Comment: This sequence change falls in intron 58 of the UNC80 gene. It does not directly change the encoded amino acid sequence of the UNC80 protein. It affects a nucleotide within the consensus splice site. This variant is not present in population databases (ExAC no frequency). This variant has not been reported in the literature in individuals affected with UNC80-related conditions. Variants that disrupt the consensus splice site are a relatively common cause of aberrant splicing (PMID: 17576681, 9536098). Algorithms developed to predict the effect of sequence changes on RNA splicing suggest that this variant may create or strengthen a splice site. In summary, the available evidence is currently insufficient to determine the role of this variant in disease. Therefore, it has been classified as a Variant of Uncertain Significance.

Literature cited by the submitters: PubMed 17576681 (cited by Labcorp Genetics (formerly Invitae), Labcorp); PubMed 9536098 (cited by Labcorp Genetics (formerly Invitae), Labcorp).

NM_001371986.1(UNC80):c.9119-1_9119insGAG

Gene: UNC80 (unc-80 subunit of NALCN channel complex; plus strand). Cytogenetic location: 2q34.
Variant type: Insertion.
Coding change: c.9119-1_9119insGAG on transcript NM_001371986.1 (MANE Select); the canonical splice acceptor site of the intron before coding-DNA position 9119 through coding-DNA position 9119, GAG inserted.
Molecular consequence: splice acceptor variant.
Genome position: GRCh38 VCF-style: chr2-209982176-T-TAGG. GRCh37 (hg19) VCF-style: chr2-210846900-T-TAGG.
Other names: c.8921-1_8921insGAG (NM_032504.2); c.8906-1_8906insGAG (NM_182587.4).
Identifiers: ClinVar variation 1352162 (VCV001352162.6), dbSNP rs1559437278, ClinGen allele CA539105245.